The following is an entry in ClinVar:

ClinVar aggregate classification (germline): Pathogenic (1 of 4 stars; one submission).

Conditions:
Developmental and epileptic encephalopathy, 42 (DEE42A). Also called: Epileptic encephalopathy, early infantile, 42; DEVELOPMENTAL AND EPILEPTIC ENCEPHALOPATHY 42A; EPILEPTIC ENCEPHALOPATHY, EARLY INFANTILE, 42A. Identifiers: MedGen C4310716, MONDO:0014917, OMIM 617106.
Episodic ataxia type 2 (EA2). Also called: EPISODIC ATAXIA, NYSTAGMUS-ASSOCIATED; ACETAZOLAMIDE-RESPONSIVE HEREDITARY PAROXYSMAL CEREBELLAR ATAXIA; ATAXIA, EPISODIC, WITH NYSTAGMUS; ATAXIA, FAMILIAL PAROXYSMAL; CEREBELLAR ATAXIA, PAROXYSMAL, ACETAZOLAMIDE-RESPONSIVE; CEREBELLOPATHY, HEREDITARY PAROXYSMAL. Identifiers: Orphanet 97, MedGen C1720416, MONDO:0007163, OMIM 108500.

Submission:

Labcorp Genetics (formerly Invitae), Labcorp
Classification: Pathogenic for Developmental and epileptic encephalopathy, 42; Episodic ataxia type 2. Last evaluated: 2020-10-23. Review status: criteria provided, single submitter. Criteria: Invitae Variant Classification Sherloc (09022015). Collection method: clinical testing. Allele origin: germline.
Comment: This sequence change creates a premature translational stop signal (p.Asp1281Thrfs*12) in the CACNA1A gene. It is expected to result in an absent or disrupted protein product. Loss-of-function variants in CACNA1A are known to be pathogenic (PMID: 10371528, 19486177, 25735478, 27250579). This variant is not present in population databases (ExAC no frequency). This variant has not been reported in the literature in individuals with CACNA1A-related conditions. For these reasons, this variant has been classified as Pathogenic.

Literature cited by the submitters: PubMed 10371528; PubMed 19486177; PubMed 25735478; PubMed 27250579.

NM_001127222.2(CACNA1A):c.3838_3841del (p.Asp1280fs)

Gene: CACNA1A (calcium voltage-gated channel subunit alpha1 A; minus strand). Cytogenetic location: 19p13.13.
Variant type: Deletion.
Coding change: c.3838_3841del on transcript NM_001127222.2 (MANE Select); coding-DNA positions 3838 to 3841, 4 bases deleted (GACT; older notation c.3838_3841delGACT).
Protein change: p.Asp1280fs; shifts the reading frame from aspartic acid 1280.
Molecular consequence: frameshift variant.
Genome position (GRCh38, 1-based): chr19:13,277,110-13,277,113, AGTC deleted on the plus strand (GACT on the coding strand, the reverse complement: CACNA1A is on the minus strand); deleting any 4 consecutive bases within chr19:13,277,110-13,277,114 gives the same sequence; the c. name uses the placement nearest the transcript's 3' end. VCF-style (leftmost placement, unchanged base first): chr19-13277109-TAGTC-T. GRCh37 (hg19) VCF-style: chr19-13387923-TAGTC-T.
Other names: c.3850_3853del, p.Asp1284fs (NM_000068.4, NM_023035.3); c.3841_3844del, p.Asp1281fs (NM_001127221.2, NM_001174080.2); short protein forms D1280fs, D1281fs, D1284fs.
Identifiers: ClinVar variation 1382040 (VCV001382040.6), dbSNP rs2144839766, ClinGen allele CA2573156168.